The following is an entry in ClinVar:

NM_001376.5(DYNC1H1):c.11942C>G (p.Thr3981Arg)

Gene: DYNC1H1 (dynein cytoplasmic 1 heavy chain 1; plus strand). Cytogenetic location: 14q32.31.
Variant type: single nucleotide variant.
Coding change: c.11942C>G on transcript NM_001376.5 (MANE Select); coding-DNA position 11942, C replaced by G.
Protein change: p.Thr3981Arg; replaces threonine 3981 with arginine.
Molecular consequence: missense variant.
Genome position (GRCh38, 1-based): chr14:102,041,574, C>G. VCF-style: chr14-102041574-C-G. GRCh37 (hg19) VCF-style: chr14-102507911-C-G.
Other names: p.Thr3981Arg; short protein forms T3981R.
Identifiers: ClinVar variation 198352 (VCV000198352.71), dbSNP rs138428684, ClinGen allele CA203379.

ClinVar aggregate classification (germline): Benign/Likely benign. Review status: criteria provided, multiple submitters, no conflicts (2 of 4 stars). 22 submissions from 21 submitters: Benign (8); Likely benign (9). 5 of the submissions do not count toward it. Last evaluated 2026-09-01.

Conditions:
Autosomal dominant cerebellar ataxia. Also called: Spinocerebellar Ataxia, Dominant. Identifiers: Orphanet 99, MedGen C4087347, MONDO:0020380.
DYNC1H1-related disorder. Also called: DYNC1H1-related condition; DYNC1H1-related disorders. Identifiers: MedGen CN381529.
Charcot-Marie-Tooth disease. Also called: Charcot-Marie-Tooth Hereditary Neuropathy; Charcot-Marie-Tooth Neuropathy. Identifiers: Orphanet 166, MedGen C0007959, MONDO:0015626.
Inborn genetic diseases. Identifiers: MedGen C0950123, MeSH D030342.
Charcot-Marie-Tooth disease axonal type 2O. Also called: CHARCOT-MARIE-TOOTH NEUROPATHY, AXONAL, TYPE 2O; CHARCOT-MARIE-TOOTH DISEASE, AXONAL, AUTOSOMAL DOMINANT, TYPE 2O; Charcot-Marie-Tooth disease, axonal, type 20; Charcot-Marie-Tooth Neuropathy Type 2O. Identifiers: Orphanet 284232, MedGen C3280220, MONDO:0013644, OMIM 614228.
Cortical dysplasia, complex, with other brain malformations 13. Also called: Intellectual disability, autosomal dominant 13. Identifiers: MedGen C3281202, MONDO:0013805, OMIM 614563.
Autosomal dominant childhood-onset proximal spinal muscular atrophy without contractures. Also called: Spinal muscular atrophy, lower extremity-predominant 1, AD; SPINAL MUSCULAR ATROPHY, CHILDHOOD, PROXIMAL, AUTOSOMAL DOMINANT; KUGELBERG-WELANDER SYNDROME, AUTOSOMAL DOMINANT; SPINAL MUSCULAR ATROPHY, JUVENILE, PROXIMAL, AUTOSOMAL DOMINANT. Identifiers: Orphanet 209341, Orphanet 363447, MedGen C5780022, MONDO:0008026, OMIM 158600.

Allele frequency attached by ClinVar (database versions not stated): 1000 Genomes Project 30x 0.00094; 1000 Genomes Project 0.00120; gnomAD 0.00266 and 0.00288; TOPMed 0.00292; gnomAD exomes 0.00310; ESP Exome Variant Server 0.00323; ExAC 0.00341.
gnomAD v4.1: 6,417 of 1,614,062 alleles (0.4%); highest among the groups gnomAD compares: Non-Finnish European, 0.49%; 18 homozygotes.

Submissions (22):

CeGaT Center for Human Genetics Tuebingen
Classification: Benign. Last evaluated: 2026-09-01. Review status: criteria provided, single submitter. Criteria: CeGaT Center For Human Genetics Tuebingen Variant Classification Criteria Version 2. Collection method: clinical testing. Allele origin: germline. Affected: yes. Observed: 60 variant alleles.
Comment: DYNC1H1: BS1, BS2

Labcorp Genetics (formerly Invitae), Labcorp
Classification: Benign for Charcot-Marie-Tooth disease axonal type 2O. Last evaluated: 2026-02-03. Review status: criteria provided, single submitter. Criteria: Invitae Variant Classification Sherloc (09022015). Collection method: clinical testing. Allele origin: germline.

Women's Health and Genetics/Laboratory Corporation of America, LabCorp
Classification: Likely benign. Last evaluated: 2025-02-03. Review status: criteria provided, single submitter. Criteria: LabCorp Variant Classification Summary - May 2015. Collection method: clinical testing. Allele origin: germline.

Blueprint Genetics
Classification: Likely benign. Last evaluated: 2024-11-22. Review status: criteria provided, single submitter. Criteria: ACMG Guidelines, 2015. Collection method: clinical testing. Allele origin: germline.

ARUP Laboratories, Molecular Genetics and Genomics, ARUP Laboratories
Classification: Likely benign. Last evaluated: 2024-04-01. Review status: criteria provided, single submitter. Criteria: ARUP Molecular Germline Variant Investigation Process 2024. Collection method: clinical testing. Allele origin: germline.

Fulgent Genetics
Classification: Likely benign for Autosomal dominant childhood-onset proximal spinal muscular atrophy without contractures; Charcot-Marie-Tooth disease axonal type 2O; Cortical dysplasia, complex, with other brain malformations 13. Last evaluated: 2021-07-19. Review status: criteria provided, single submitter. Criteria: ACMG Guidelines, 2015. Collection method: clinical testing. Allele origin: unknown.

Mayo Clinic Laboratories, Mayo Clinic
Classification: Benign. Last evaluated: 2021-07-07. Review status: criteria provided, single submitter. Criteria: ACMG Guidelines, 2015. Collection method: clinical testing. Allele origin: germline. Observed: 21 variant alleles.

Genetic Services Laboratory, University of Chicago
Classification: Benign. Last evaluated: 2019-07-02. Review status: criteria provided, single submitter. Criteria: ACMG Guidelines, 2015. Collection method: clinical testing. Allele origin: germline. Affected: no.

Ambry Genetics
Classification: Likely benign for Inborn genetic diseases. Last evaluated: 2018-05-11. Review status: criteria provided, single submitter. Criteria: Ambry Variant Classification Scheme 2023. Collection method: clinical testing. Allele origin: germline.

Athena Diagnostics
Classification: Benign. Last evaluated: 2017-09-28. Review status: criteria provided, single submitter. Criteria: Athena Diagnostics Criteria. Collection method: clinical testing. Allele origin: germline.

Center for Pediatric Genomic Medicine, Children's Mercy Hospital and Clinics
Classification: Likely benign. Last evaluated: 2017-06-26. Review status: criteria provided, single submitter. Criteria: ACMG Guidelines, 2015. Collection method: clinical testing. Allele origin: germline.

Illumina Laboratory Services, Illumina
Classification: Likely benign for Charcot-Marie-Tooth disease axonal type 2O. Last evaluated: 2017-04-27. Review status: criteria provided, single submitter. Criteria: ICSL Variant Classification Criteria 13 December 2019. Collection method: clinical testing. Allele origin: germline.
Comment: This variant was observed as part of a predisposition screen in an ostensibly healthy population. A literature search was performed for the gene, cDNA change, and amino acid change (where applicable). No publications were found based on this search. Allele frequency data from public databases allowed determination this variant is unlikely to cause disease. Therefore, this variant is classified as likely benign.

Illumina Laboratory Services, Illumina
Classification: Benign for Spinocerebellar Ataxia, Dominant. Last evaluated: 2017-04-27. Review status: criteria provided, single submitter. Criteria: ICSL Variant Classification Criteria 13 December 2019. Collection method: clinical testing. Allele origin: germline.
Comment: This variant was observed as part of a predisposition screen in an ostensibly healthy population. A literature search was performed for the gene, cDNA change, and amino acid change (where applicable). No publications were found based on this search. Allele frequency data from public databases was too high to be consistent with this variant causing disease. Therefore, this variant is classified as benign.

GeneDx
Classification: Benign. Last evaluated: 2017-01-24. Review status: criteria provided, single submitter. Criteria: GeneDx Variant Classification (06012015). Collection method: clinical testing. Allele origin: germline. Affected: yes.
Comment: This variant is considered likely benign or benign based on one or more of the following criteria: it is a conservative change, it occurs at a poorly conserved position in the protein, it is predicted to be benign by multiple in silico algorithms, and/or has population frequency not consistent with disease.

Eurofins Ntd Llc (ga)
Classification: Likely benign. Last evaluated: 2015-02-16. Review status: criteria provided, single submitter. Criteria: EGL Classification Definitions 2015. Collection method: clinical testing. Allele origin: germline. Observed: 1 variant allele, 1 heterozygote.

Breakthrough Genomics
Classification: Likely benign. Review status: criteria provided, single submitter. Criteria: ACMG Guidelines, 2015. Collection method: not provided. Allele origin: germline. Inheritance: Autosomal dominant inheritance. Affected: yes.

Molecular Genetics Laboratory, London Health Sciences Centre
Classification: Benign for Charcot-Marie-Tooth disease. Review status: criteria provided, single submitter. Criteria: ACMG Guidelines, 2015. Collection method: clinical testing. Allele origin: germline. Affected: yes.

PreventionGenetics, part of Exact Sciences
Classification: Benign for DYNC1H1-related condition. Last evaluated: 2019-05-06. Review status: no assertion criteria provided. Collection method: clinical testing. Allele origin: germline. Not counted in ClinVar's aggregate classification.
Comment: This variant is classified as benign based on ACMG/AMP sequence variant interpretation guidelines (Richards et al. 2015 PMID: 25741868, with internal and published modifications).

Clinical Genetics DNA and cytogenetics Diagnostics Lab, Erasmus MC, Erasmus Medical Center
Classification: Likely benign. Review status: no assertion criteria provided. Collection method: clinical testing. Allele origin: germline. Affected: yes. Study: VKGL Data-share Consensus. Not counted in ClinVar's aggregate classification.

Clinical Genetics, Academic Medical Center
Classification: Likely benign. Review status: no assertion criteria provided. Collection method: clinical testing. Allele origin: germline. Affected: yes. Study: VKGL Data-share Consensus. Not counted in ClinVar's aggregate classification.

Genome Diagnostics Laboratory, University Medical Center Utrecht
Classification: Likely benign. Review status: no assertion criteria provided. Collection method: clinical testing. Allele origin: germline. Affected: yes. Study: VKGL Data-share Consensus. Not counted in ClinVar's aggregate classification.

Laboratory of Diagnostic Genome Analysis, Leiden University Medical Center (LUMC)
Classification: Likely benign. Review status: no assertion criteria provided. Collection method: clinical testing. Allele origin: germline. Affected: yes. Study: VKGL Data-share Consensus. Not counted in ClinVar's aggregate classification.

Literature cited by the submitters: PubMed 26344056 (cited by Athena Diagnostics).